The following is an entry in ClinVar:

NM_002700.3(POU4F3):c.502del (p.Ala168fs)

Genes: POU4F3 (POU class 4 homeobox 3; plus strand), RBM27-POU4F3 (RBM27-POU4F3 readthrough; plus strand). Cytogenetic location: 5q32.
Variant type: Deletion.
Coding change: c.502del on transcript NM_002700.3 (MANE Select); coding-DNA position 502, one base deleted (G; older notation c.502delG).
Protein change: p.Ala168fs; shifts the reading frame from alanine 168.
Molecular consequence: frameshift variant.
Genome position (GRCh38, 1-based): chr5:146,339,929, G deleted; the last of 2 consecutive G bases (chr5:146,339,928-146,339,929); deleting either gives the same sequence. VCF-style (leftmost placement, unchanged base first): chr5-146339927-TG-T. GRCh37 (hg19) VCF-style: chr5-145719490-TG-T.
Other names: short protein forms A168fs.
Identifiers: ClinVar variation 372853 (VCV000372853.4), dbSNP rs766631025, ClinGen allele CA3491147.
Genomic context (GRCh38, chr5:146,339,927, plus strand): 5'-ACCACCTGGGCGCCATGGGCCACCTGCACCAGGCCATGGGCATGAGTCACCCGCACACCG[TG>T]GCCCCTCATAGCGCCATGCCTGCATGCCTCAGCGACGTGGAGTCAGACCCGCGCGAGCTG-3'

ClinVar aggregate classification (germline): Pathogenic/Likely pathogenic. Review status: criteria provided, multiple submitters, no conflicts (2 of 4 stars). 2 submissions from 2 submitters: Pathogenic (1); Likely pathogenic (1). Last evaluated 2020-05-04.

Conditions:
Autosomal dominant nonsyndromic hearing loss 15 (DFNA15). Also called: Autosomal dominant nonsyndromic hearing loss 52; DEAFNESS, AUTOSOMAL DOMINANT 52. Identifiers: Orphanet 90635, MedGen C1865366, MONDO:0011226, OMIM 602459.

Submissions (2):

Center of Genomic medicine, Geneva, University Hospital of Geneva
Classification: Pathogenic for Autosomal dominant nonsyndromic hearing loss 15. Last evaluated: 2020-05-04. Review status: criteria provided, single submitter. Criteria: ACMG Guidelines, 2015. Collection method: clinical testing. Allele origin: paternal. Affected: yes. Observed: 2 variant alleles.

GeneDx
Classification: Likely pathogenic. Last evaluated: 2016-01-12. Review status: criteria provided, single submitter. Criteria: GeneDx Variant Classification (06012015). Collection method: clinical testing. Allele origin: germline. Affected: yes.
Comment: The c.502delG variant in the POU4F3 gene has not been reported previously as a pathogenic variant nor as a benign variant, to our knowledge. The c.502delG variant causes a frameshift starting with codon Alanine 168, changes this amino acid to a Proline residue, and creates a premature Stop codon at position 36 of the new reading frame, denoted p.ala168ProfsX36. This variant is predicted to cause loss of normal protein function through protein truncation. The c.502delG variant was not observed in approximately 6,500 individuals of European and African American ancestry in the NHLBI Exome Sequencing Project, indicating it is not a common benign variant in these populations. The c.502delG variant is a strong candidate for a pathogenic variant, however the possibility it may be a rare benign variant cannot be excluded.